The following is an entry in ClinVar:

ClinVar aggregate classification (germline): Uncertain significance (1 of 4 stars; one submission).

gnomAD v4.1: 5 of 1,590,484 alleles (0.00031%); highest among the groups gnomAD compares: Non-Finnish European, 0.00043%; no homozygotes.

Submission:

Labcorp Genetics (formerly Invitae), Labcorp
Classification: Uncertain significance. Last evaluated: 2024-08-29. Review status: criteria provided, single submitter. Criteria: Invitae Variant Classification Sherloc (09022015). Collection method: clinical testing. Allele origin: germline.
Comment: This sequence change replaces glutamine, which is neutral and polar, with lysine, which is basic and polar, at codon 535 of the PHF21A protein (p.Gln535Lys). This variant is present in population databases (rs746430461, gnomAD 0.002%). This variant has not been reported in the literature in individuals affected with PHF21A-related conditions. An algorithm developed to predict the effect of missense changes on protein structure and function (PolyPhen-2) suggests that this variant is likely to be disruptive. In summary, the available evidence is currently insufficient to determine the role of this variant in disease. Therefore, it has been classified as a Variant of Uncertain Significance.

NM_001352027.3(PHF21A):c.1606C>A (p.Gln536Lys)

Gene: PHF21A (PHD finger protein 21A; minus strand). Cytogenetic location: 11p11.2.
Variant type: single nucleotide variant.
Coding change: c.1606C>A on transcript NM_001352027.3 (MANE Select); coding-DNA position 1606, C replaced by A.
Protein change: p.Gln536Lys; replaces glutamine 536 with lysine.
Molecular consequence: missense variant. On other transcripts: non-coding transcript variant (2).
Genome position (GRCh38, 1-based): chr11:45,938,159, G>T on the plus strand (C>A on the coding strand, the complement: PHF21A is on the minus strand). VCF-style: chr11-45938159-G-T. GRCh37 (hg19) VCF-style: chr11-45959710-G-T.
Other names: c.1603C>A, p.Gln535Lys (NM_001101802.3); c.1606C>A, p.Gln536Lys (NM_001352025.3, NM_001352026.3); c.1465C>A, p.Gln489Lys (NM_001352028.1, NM_001352029.1, NM_016621.5); c.1462C>A, p.Gln488Lys (NM_001352030.3, NM_001352031.3, NM_001352032.3); short protein forms Q489K, Q488K, Q536K, Q535K.
Identifiers: ClinVar variation 3691023 (VCV003691023.2).